The following is an entry in ClinVar:

NM_174936.4(PCSK9):c.1882G>A (p.Glu628Lys)

Gene: PCSK9 (proprotein convertase subtilisin/kexin type 9; plus strand). Cytogenetic location: 1p32.3.
Variant type: single nucleotide variant.
Coding change: c.1882G>A on transcript NM_174936.4 (MANE Select); coding-DNA position 1882, G replaced by A.
Protein change: p.Glu628Lys; replaces glutamic acid 628 with lysine.
Molecular consequence: missense variant.
Genome position (GRCh38, 1-based): chr1:55,063,387, G>A. VCF-style: chr1-55063387-G-A. GRCh37 (hg19) VCF-style: chr1-55529060-G-A.
Other names: c.2005G>A, p.Glu669Lys (NM_001407240.1); c.1924G>A, p.Glu642Lys (NM_001407241.1); c.1885G>A, p.Glu629Lys (NM_001407242.1); c.1825G>A, p.Glu609Lys (NM_001407243.1); c.1708G>A, p.Glu570Lys (NM_001407244.1); c.1690G>A, p.Glu564Lys (NM_001407245.1); c.1507G>A, p.Glu503Lys (NM_001407246.1); c.1381G>A, p.Glu461Lys (NM_001407247.1); short protein forms E628K, E461K, E564K, E570K, E629K, E642K, E669K, E503K.
Identifiers: ClinVar variation 1331957 (VCV001331957.11), dbSNP rs764653616, ClinGen allele CA039595.

ClinVar aggregate classification (germline): Uncertain significance. Review status: criteria provided, multiple submitters, no conflicts (2 of 4 stars). 4 submissions from 4 submitters: Uncertain significance (4). Last evaluated 2024-05-16.

Conditions:
Cardiovascular phenotype. Identifiers: MedGen CN230736.
Familial hypercholesterolemia. Also called: Familial hypercholesterolemias; Familial hypercholesterolaemia. Identifiers: MedGen C0020445, MONDO:0005439.
Hypercholesterolemia, autosomal dominant, 3 (FHCL3). Also called: Familial hypercholesterolemia 3; PCSK9-Related Familial Hypercholesterolemia, Autosomal Dominant; Familial Hypercholesterolemia, Autosomal Dominant, 3. Identifiers: MedGen C1863551, MONDO:0011369, OMIM 603776.

Allele frequency attached by ClinVar (database versions not stated): gnomAD exomes below 0.00001; ExAC 0.00001; TOPMed 0.00002; gnomAD 0.00003.

Submissions (4):

Ambry Genetics
Classification: Uncertain significance for Cardiovascular phenotype. Last evaluated: 2024-05-16. Review status: criteria provided, single submitter. Criteria: Ambry Variant Classification Scheme 2023. Collection method: clinical testing. Allele origin: germline.
Comment: The p.E628K variant (also known as c.1882G>A), located in coding exon 12 of the PCSK9 gene, results from a G to A substitution at nucleotide position 1882. The glutamic acid at codon 628 is replaced by lysine, an amino acid with similar properties. This amino acid position is not well conserved in available vertebrate species. In addition, this alteration is predicted to be tolerated by in silico analysis. Based on the available evidence, the clinical significance of this variant remains unclear.

Color Diagnostics, LLC DBA Color Health
Classification: Uncertain significance for Familial hypercholesterolemia. Last evaluated: 2024-03-06. Review status: criteria provided, single submitter. Criteria: ACMG Guidelines, 2015. Collection method: clinical testing. Allele origin: germline.
Comment: This missense variant replaces glutamic acid with lysine at codon 628 of the PCSK9 protein. Computational prediction suggests that this variant may not impact protein structure and function (internally defined REVEL score threshold <= 0.5, PMID: 27666373). To our knowledge, functional studies have not been reported for this variant. This variant has not been reported in individuals affected with familial hypercholesterolemia in the literature. This variant has been identified in 1/248830 chromosomes in the general population by the Genome Aggregation Database (gnomAD). The available evidence is insufficient to determine the role of this variant in disease conclusively. Therefore, this variant is classified as a Variant of Uncertain Significance.

All of Us Research Program, National Institutes of Health
Classification: Uncertain significance for Hypercholesterolemia, autosomal dominant, 3. Last evaluated: 2023-11-28. Review status: criteria provided, single submitter. Criteria: ACMG Guidelines, 2015. Collection method: clinical testing. Allele origin: germline. Inheritance: Autosomal dominant inheritance. Observed: 1 variant allele, 1 heterozygote.
Comment: This missense variant replaces glutamic acid with lysine at codon 628 of the PCSK9 protein. Computational prediction suggests that this variant may not impact protein structure and function (internally defined REVEL score threshold <= 0.5, PMID: 27666373). To our knowledge, functional studies have not been reported for this variant. This variant has not been reported in individuals affected with familial hypercholesterolemia in the literature. This variant has been identified in 1/248830 chromosomes in the general population by the Genome Aggregation Database (gnomAD). The available evidence is insufficient to determine the role of this variant in disease conclusively. Therefore, this variant is classified as a Variant of Uncertain Significance.

This study involves interpretation of variants in research participants for the purpose of population health screening. Participant phenotype was not available at the time of variant classification. Additional details can be found in publication PMID: 35346344, PMCID: PMC8962531

Labcorp Genetics (formerly Invitae), Labcorp
Classification: Uncertain significance for Hypercholesterolemia, autosomal dominant, 3. Last evaluated: 2021-08-13. Review status: criteria provided, single submitter. Criteria: Invitae Variant Classification Sherloc (09022015). Collection method: clinical testing. Allele origin: germline.
Comment: This sequence change replaces glutamic acid with lysine at codon 628 of the PCSK9 protein (p.Glu628Lys). The glutamic acid residue is weakly conserved and there is a small physicochemical difference between glutamic acid and lysine. This variant is present in population databases (rs764653616, ExAC 0.01%). This variant has not been reported in the literature in individuals affected with PCSK9-related conditions. Advanced modeling of protein sequence and biophysical properties (such as structural, functional, and spatial information, amino acid conservation, physicochemical variation, residue mobility, and thermodynamic stability) performed at Invitae indicates that this missense variant is not expected to disrupt PCSK9 protein function. In summary, the available evidence is currently insufficient to determine the role of this variant in disease. Therefore, it has been classified as a Variant of Uncertain Significance.